The following is an entry in ClinVar:

ClinVar aggregate classification (germline): Uncertain significance. Review status: criteria provided, multiple submitters, no conflicts (2 of 4 stars). 2 submissions from 2 submitters: Uncertain significance (2). Last evaluated 2023-12-27.

Conditions:
Hereditary cancer-predisposing syndrome. Also called: Neoplastic Syndromes, Hereditary; Hereditary neoplastic syndrome; Hereditary Cancer Syndrome; Tumor predisposition. Identifiers: Orphanet 140162, MedGen C0027672, MeSH D009386, MONDO:0015356.
Tuberous sclerosis 2 (TSC2). Identifiers: Orphanet 805, MedGen C1860707, MONDO:0013199, OMIM 613254.

Submissions (2):

Ambry Genetics
Classification: Uncertain significance for Hereditary cancer-predisposing syndrome. Last evaluated: 2023-12-27. Review status: criteria provided, single submitter. Criteria: Ambry Variant Classification Scheme 2023. Collection method: clinical testing. Allele origin: germline.
Comment: The p.P1771S variant (also known as c.5311C>T), located in coding exon 41 of the TSC2 gene, results from a C to T substitution at nucleotide position 5311. The proline at codon 1771 is replaced by serine, an amino acid with similar properties. This amino acid position is not well conserved in available vertebrate species. In addition, the in silico prediction for this alteration is inconclusive. Since supporting evidence is limited at this time, the clinical significance of this alteration remains unclear.

Labcorp Genetics (formerly Invitae), Labcorp
Classification: Uncertain significance for Tuberous sclerosis 2. Last evaluated: 2018-10-02. Review status: criteria provided, single submitter. Criteria: Invitae Variant Classification Sherloc (09022015). Collection method: clinical testing. Allele origin: germline.
Comment: This sequence change replaces proline with serine at codon 1771 of the TSC2 protein (p.Pro1771Ser). The proline residue is weakly conserved and there is a moderate physicochemical difference between proline and serine. This variant is not present in population databases (ExAC no frequency). This variant has not been reported in the literature in individuals with TSC2-related disease. Algorithms developed to predict the effect of missense changes on protein structure and function output the following: SIFT: "Tolerated"; PolyPhen-2: "Benign"; Align-GVGD: "Class C0". The serine amino acid residue is found in multiple mammalian species, suggesting that this missense change does not adversely affect protein function. These predictions have not been confirmed by published functional studies and their clinical significance is uncertain. In summary, the available evidence is currently insufficient to determine the role of this variant in disease. Therefore, it has been classified as a Variant of Uncertain Significance.

NM_000548.5(TSC2):c.5311C>T (p.Pro1771Ser)

Gene: TSC2 (TSC complex subunit 2; plus strand). Cytogenetic location: 16p13.3.
Variant type: single nucleotide variant.
Coding change: c.5311C>T on transcript NM_000548.5 (MANE Select); coding-DNA position 5311, C replaced by T.
Protein change: p.Pro1771Ser; replaces proline 1771 with serine.
Molecular consequence: missense variant.
Genome position (GRCh38, 1-based): chr16:2,088,497, C>T. VCF-style: chr16-2088497-C-T. GRCh37 (hg19) VCF-style: chr16-2138498-C-T.
Other names: c.5110C>T, p.Pro1704Ser (NM_001077183.3); c.5242C>T, p.Pro1748Ser (NM_001114382.3); c.5002C>T, p.Pro1668Ser (NM_001318827.2); c.4966C>T, p.Pro1656Ser (NM_001318829.2); c.4579C>T, p.Pro1527Ser (NM_001318831.2); c.5143C>T, p.Pro1715Ser (NM_001318832.2); c.5113C>T, p.Pro1705Ser (NM_001363528.2); c.5179C>T, p.Pro1727Ser (NM_001370404.1); and 2 more; short protein forms P1715S, P1668S, P1727S, P1771S, P1527S, P1704S, P1705S, P1748S.
Identifiers: ClinVar variation 655006 (VCV000655006.9), dbSNP rs777006583, ClinGen allele CA394315429.